The following is an entry in ClinVar:

ClinVar aggregate classification (germline): Uncertain significance. Review status: criteria provided, multiple submitters, no conflicts (2 of 4 stars). 3 submissions from 3 submitters: Uncertain significance (2). 1 of the submissions does not count toward it. Last evaluated 2026-01-22.

Conditions:
Multiple acyl-CoA dehydrogenase deficiency (MADD). Also called: Glutaric aciduria, type 2; Glutaric acidemia type II; GA 2; Glutaric Acidemia type 2; ETHYLMALONIC-ADIPICACIDURIA; GA II. Identifiers: Orphanet 26791, MedGen C0268596, MONDO:0009282, OMIM 231680.

Allele frequency attached by ClinVar (database versions not stated): gnomAD exomes 0.00002; gnomAD 0.00003 and 0.00004; TOPMed 0.00003; ExAC 0.00005.
gnomAD v4.1: 34 of 1,551,112 alleles (0.0022%); highest among the groups gnomAD compares: East Asian, 0.018%; no homozygotes.

Submissions (5):

Women's Health and Genetics/Laboratory Corporation of America, LabCorp
Classification: Uncertain significance. Last evaluated: 2026-01-22. Review status: criteria provided, single submitter. Criteria: LabCorp Variant Classification Summary - May 2015. Collection method: clinical testing. Allele origin: germline.

Labcorp Genetics (formerly Invitae), Labcorp
Classification: Uncertain significance for Multiple acyl-CoA dehydrogenase deficiency. Last evaluated: 2025-01-15. Review status: criteria provided, single submitter. Criteria: Invitae Variant Classification Sherloc (09022015). Collection method: clinical testing. Allele origin: germline.
Comment: This sequence change falls in intron 12 of the ETFDH gene. It does not directly change the encoded amino acid sequence of the ETFDH protein. It affects a nucleotide within the consensus splice site. This variant is present in population databases (rs752590057, gnomAD 0.006%). This variant has not been reported in the literature in individuals affected with ETFDH-related conditions. ClinVar contains an entry for this variant (Variation ID: 991937). Variants that disrupt the consensus splice site are a relatively common cause of aberrant splicing (PMID: 17576681, 9536098). Algorithms developed to predict the effect of sequence changes on RNA splicing suggest that this variant is not likely to affect RNA splicing. In summary, the available evidence is currently insufficient to determine the role of this variant in disease. Therefore, it has been classified as a Variant of Uncertain Significance.

Natera, Inc.
Classification: Uncertain significance for Glutaric aciduria type 2. Last evaluated: 2020-11-16. Review status: no assertion criteria provided. Collection method: clinical testing. Allele origin: germline. Not counted in ClinVar's aggregate classification.

Dr. Peter K. Rogan Lab, Western University
No classification provided (evidence only). Condition: Lung cancer. Review status: no classification provided. Collection method: in vitro. Allele origin: not applicable. Functional consequence: skipped exon, retained intron. Not counted in ClinVar's aggregate classification.

Dr. Peter K. Rogan Lab, Western University
No classification provided (evidence only). Condition: Familial cancer of breast. Review status: no classification provided. Collection method: in vitro. Allele origin: not applicable. Functional consequence: skipped exon. Not counted in ClinVar's aggregate classification.

Literature cited by the submitters: PubMed 17576681 (cited by Labcorp Genetics (formerly Invitae), Labcorp); PubMed 9536098 (cited by Labcorp Genetics (formerly Invitae), Labcorp).

NM_004453.4(ETFDH):c.1690+4A>G

Gene: ETFDH (electron transfer flavoprotein dehydrogenase; plus strand). Cytogenetic location: 4q32.1.
Variant type: single nucleotide variant.
Coding change: c.1690+4A>G on transcript NM_004453.4 (MANE Select); 4 bases into the intron after coding-DNA position 1690, A replaced by G.
Molecular consequence: intron variant.
Genome position (GRCh38, 1-based): chr4:158,706,854, A>G. VCF-style: chr4-158706854-A-G. GRCh37 (hg19) VCF-style: chr4-159628006-A-G.
Other names: c.1549+4A>G (NM_001281737.2); c.1507+4A>G (NM_001281738.1).
Identifiers: ClinVar variation 991937 (VCV000991937.6), dbSNP rs752590057, ClinGen allele CA3122690.